The following is an entry in ClinVar:

ClinVar aggregate classification (germline): Pathogenic/Likely pathogenic. Review status: criteria provided, multiple submitters, no conflicts (2 of 4 stars). 2 submissions from 2 submitters: Pathogenic (1); Likely pathogenic (1). Last evaluated 2025-10-09.

Conditions:
Meckel-Gruber syndrome. Also called: DYSENCEPHALIA SPLANCHNOCYSTICA; GRUBER SYNDROME; Dysencephalia splachnocystica. Identifiers: Orphanet 564, MedGen C0265215, MONDO:0018921.
Joubert syndrome. Also called: CEREBELLOPARENCHYMAL DISORDER IV; JOUBERT-BOLTSHAUSER SYNDROME; Familial aplasia of the vermis. Identifiers: Orphanet 475, MedGen C5979921, MONDO:0018772.
Joubert syndrome and related disorders. Identifiers: Orphanet 140874, MedGen C5679612, MONDO:0015369.

Submissions (2):

Labcorp Genetics (formerly Invitae), Labcorp
Classification: Pathogenic for Joubert syndrome; Meckel-Gruber syndrome. Last evaluated: 2025-10-09. Review status: criteria provided, single submitter. Criteria: Invitae Variant Classification Sherloc (09022015). Collection method: clinical testing. Allele origin: germline.
Comment: This sequence change creates a premature translational stop signal (p.Gly656Argfs*11) in the TMEM67 gene. It is expected to result in an absent or disrupted protein product. Loss-of-function variants in TMEM67 are known to be pathogenic (PMID: 20232449, 23559409). This variant is not present in population databases (gnomAD no frequency). This variant has not been reported in the literature in individuals affected with TMEM67-related conditions. ClinVar contains an entry for this variant (Variation ID: 1723428). For these reasons, this variant has been classified as Pathogenic.

Women's Health and Genetics/Laboratory Corporation of America, LabCorp
Classification: Likely pathogenic for Joubert syndrome and related disorders. Last evaluated: 2022-10-03. Review status: criteria provided, single submitter. Criteria: LabCorp Variant Classification Summary - May 2015. Collection method: clinical testing. Allele origin: germline.
Comment: Variant summary: TMEM67 c.1964_1965dupAG (p.Gly656ArgfsX11) results in a premature termination codon, predicted to cause a truncation of the encoded protein or absence of the protein due to nonsense mediated decay, which are commonly known mechanisms for disease. Truncations downstream of this position have been classified as pathogenic in ClinVar and is associated with Joubert Syndrome in HGMD. The variant was absent in 251418 control chromosomes (gnomAD). To our knowledge, no occurrence of c.1964_1965dupAG in individuals affected with Joubert Syndrome And Related Disorders and no experimental evidence demonstrating its impact on protein function have been reported. No clinical diagnostic laboratories have submitted clinical-significance assessments for this variant to ClinVar after 2014. Based on the evidence outlined above, the variant was classified as likely pathogenic.

Literature cited by the submitters: PubMed 20232449 (cited by Labcorp Genetics (formerly Invitae), Labcorp); PubMed 23559409 (cited by Labcorp Genetics (formerly Invitae), Labcorp).

NM_153704.6(TMEM67):c.1964_1965dup (p.Gly656fs)

Gene: TMEM67 (transmembrane protein 67; plus strand). Cytogenetic location: 8q22.1.
Variant type: Duplication.
Coding change: c.1964_1965dup on transcript NM_153704.6 (MANE Select); coding-DNA positions 1964 to 1965, 2 bases duplicated (AG; older notation c.1964_1965dupAG).
Protein change: p.Gly656fs; shifts the reading frame from glycine 656.
Molecular consequence: frameshift variant. On other transcripts: non-coding transcript variant (1).
Genome position (GRCh38, 1-based): chr8:93,797,334-93,797,335, AG duplicated; duplicating any 2 consecutive bases within chr8:93,797,333-93,797,335 gives the same sequence; the c. name uses the placement nearest the transcript's 3' end. VCF-style (leftmost placement, unchanged base first): chr8-93797332-T-TGA. GRCh37 (hg19) VCF-style: chr8-94809560-T-TGA.
Other names: c.1964_1965dupAG (NM_153704.5); c.1721_1722dup, p.Gly575fs (NM_001142301.1); short protein forms G575fs, G656fs.
Identifiers: ClinVar variation 1723428 (VCV001723428.6), dbSNP rs1814667437, ClinGen allele CA1803219540.